The following is an entry in ClinVar:

NM_000059.4(BRCA2):c.9844C>T (p.Pro3282Ser)

Gene: BRCA2 (BRCA2 DNA repair associated; plus strand). Cytogenetic location: 13q13.1.
Variant type: single nucleotide variant.
Coding change: c.9844C>T on transcript NM_000059.4 (MANE Select); coding-DNA position 9844, C replaced by T.
Protein change: p.Pro3282Ser; replaces proline 3282 with serine.
Molecular consequence: missense variant. On other transcripts: non-coding transcript variant (1).
Genome position (GRCh38, 1-based): chr13:32,398,357, C>T. VCF-style: chr13-32398357-C-T. GRCh37 (hg19) VCF-style: chr13-32972494-C-T.
Other names: c.9748C>T, p.Pro3250Ser (NM_001406719.1); c.9793C>T, p.Pro3265Ser (NM_001406720.1); c.4912C>T, p.Pro1638Ser (NM_001406721.1); c.3427C>T, p.Pro1143Ser (NM_001406722.1); c.9844C>T, p.Pro3282Ser (NM_001432077.1); short protein forms P1638S, P3265S, P1143S, P3250S, P3282S.
Identifiers: ClinVar variation 4824517 (VCV004824517.1).

ClinVar aggregate classification (germline): Uncertain significance (1 of 4 stars; one submission).

Conditions:
Hereditary cancer-predisposing syndrome. Also called: Neoplastic Syndromes, Hereditary; Hereditary neoplastic syndrome; Tumor predisposition; Hereditary Cancer Syndrome. Identifiers: Orphanet 140162, MedGen C0027672, MeSH D009386, MONDO:0015356.

Submission:

Ambry Genetics
Classification: Uncertain significance for Hereditary cancer-predisposing syndrome. Last evaluated: 2026-01-20. Review status: criteria provided, single submitter. Criteria: Ambry Variant Classification Scheme 2023. Collection method: clinical testing. Allele origin: germline.
Comment: The p.P3282S variant (also known as c.9844C>T), located in coding exon 26 of the BRCA2 gene, results from a C to T substitution at nucleotide position 9844. The proline at codon 3282 is replaced by serine, an amino acid with similar properties. This amino acid position is conserved. In addition, this alteration is predicted to be tolerated by in silico analysis. Based on the available evidence, the clinical significance of this variant remains unclear.